The following is an entry in ClinVar:

ClinVar aggregate classification (germline): Pathogenic/Likely pathogenic. Review status: criteria provided, multiple submitters, no conflicts (2 of 4 stars). 6 submissions from 6 submitters: Pathogenic (5); Likely pathogenic (1). Last evaluated 2025-05-19.

Conditions:
CDK5RAP2-related disorder. Also called: CDK5RAP2-related condition.
Microcephaly 3, primary, autosomal recessive. Identifiers: Orphanet 2512, MedGen C1858108, MONDO:0011488, OMIM 604804.

Allele frequency attached by ClinVar (database versions not stated): gnomAD 0.00001; gnomAD exomes 0.00001 and 0.00003; TOPMed 0.00002; ExAC 0.00006.
gnomAD v4.1: 14 of 1,606,314 alleles (0.00087%); highest among the groups gnomAD compares: East Asian, 0.0022%; no homozygotes.

Submissions (6):

Labcorp Genetics (formerly Invitae), Labcorp
Classification: Pathogenic. Last evaluated: 2025-05-19. Review status: criteria provided, single submitter. Criteria: Invitae Variant Classification Sherloc (09022015). Collection method: clinical testing. Allele origin: germline.
Comment: This sequence change creates a premature translational stop signal (p.Arg1481*) in the CDK5RAP2 gene. It is expected to result in an absent or disrupted protein product. Loss-of-function variants in CDK5RAP2 are known to be pathogenic (PMID: 15793586, 20460369, 26436113). This variant is present in population databases (rs587783390, gnomAD 0.006%). This premature translational stop signal has been observed in individual(s) with CDK5RAP2-related conditions (PMID: 23587236, 25899944, 30842647, 32015000). ClinVar contains an entry for this variant (Variation ID: 158152). For these reasons, this variant has been classified as Pathogenic.

Dasa
Classification: Pathogenic. Last evaluated: 2024-12-19. Review status: criteria provided, single submitter. Criteria: DASA Assertion Criteria. Collection method: clinical testing. Allele origin: germline.
Comment: NM_018249.6(CDK5RAP2):c.4441C>T (p.Arg1481*) introduces a premature termination codon predicted to result in loss of normal protein function. Loss-of-function is an established mechanism of disease for this gene. Segregation evidence has been reported in affected families. This variant has been observed in affected individuals with related phenotype in a genotype context consistent with recessive disease (PMID: 23587236). This variant has been reported in individuals with related phenotype (PMID: 23587236). The variant is present at low frequency in population datasets. Based on the available data, this variant is classified as pathogenic.

Blueprint Genetics
Classification: Pathogenic for CDK5RAP2-related disorders. Last evaluated: 2019-12-16. Review status: criteria provided, single submitter. Criteria: ACMG Guidelines, 2015. Collection method: clinical testing. Allele origin: germline. Affected: yes. Observed: 1 variant allele.

Eurofins Ntd Llc (ga)
Classification: Pathogenic. Last evaluated: 2017-04-18. Review status: criteria provided, single submitter. Criteria: EGL Classification Definitions 2015. Collection method: clinical testing. Allele origin: germline. Observed: 3 variant alleles, 3 heterozygotes.

UCLA Clinical Genomics Center, UCLA
Classification: Likely pathogenic for Primary autosomal recessive microcephaly 3. Last evaluated: 2013-04-30. Review status: criteria provided, single submitter. Criteria: Lee et al. (JAMA. 2014). Collection method: clinical testing. Allele origin: unknown. Inheritance: Autosomal recessive inheritance. Affected: yes. Study: CES.

Genetic Services Laboratory, University of Chicago
Classification: Pathogenic for Microcephaly 3, primary, autosomal recessive. Last evaluated: 2013-03-06. Review status: criteria provided, single submitter. Criteria: ACMG Guidelines, 2007. Collection method: clinical testing. Allele origin: germline. Inheritance: Autosomal recessive inheritance. Affected: yes.

Literature cited by the submitters: PubMed 15793586 (cited by Labcorp Genetics (formerly Invitae), Labcorp); PubMed 20460369 (cited by Labcorp Genetics (formerly Invitae), Labcorp); PubMed 26436113 (cited by Labcorp Genetics (formerly Invitae), Labcorp); PubMed 23587236 (cited by Labcorp Genetics (formerly Invitae), Labcorp and Dasa); PubMed 25899944 (cited by Labcorp Genetics (formerly Invitae), Labcorp); PubMed 30842647 (cited by Labcorp Genetics (formerly Invitae), Labcorp); PubMed 32015000 (cited by Labcorp Genetics (formerly Invitae), Labcorp).

NM_018249.6(CDK5RAP2):c.4441C>T (p.Arg1481Ter)

Gene: CDK5RAP2 (CDK5 regulatory subunit associated protein 2; minus strand). Cytogenetic location: 9q33.2.
Variant type: single nucleotide variant.
Coding change: c.4441C>T on transcript NM_018249.6 (MANE Select); coding-DNA position 4441, C replaced by T.
Protein change: p.Arg1481Ter; replaces arginine 1481 with a stop codon.
Molecular consequence: nonsense. On other transcripts: non-coding transcript variant (5).
Genome position (GRCh38, 1-based): chr9:120,409,290, G>A on the plus strand (C>T on the coding strand, the complement: CDK5RAP2 is on the minus strand). VCF-style: chr9-120409290-G-A. GRCh37 (hg19) VCF-style: chr9-123171568-G-A.
Other names: c.4441C>T, p.Arg1481Ter (NM_001011649.3); c.3751C>T, p.Arg1251Ter (NM_001272039.2); short protein forms R1481*, R1251*.
Identifiers: ClinVar variation 158152 (VCV000158152.14), dbSNP rs587783390, ClinGen allele CA271224.
Genomic context (GRCh38, chr9:120,409,290, plus strand): 5'-CGCTGGCATACTCCCGCTGAAGGTGCTCCAGGCTCACGGTCTTCCTGGAGAGGGACTCTC[G>A]TAATTTGTCATTCTCCTTCTGTTTATCTGCAAACATAAAAAGGTGCCACTGAGAAGGGCC-3'